The following is an entry in ClinVar:

NM_004999.4(MYO6):c.188-3T>C

Gene: MYO6 (myosin VI; plus strand). Cytogenetic location: 6q14.1.
Variant type: single nucleotide variant.
Coding change: c.188-3T>C on transcript NM_004999.4 (MANE Select); 3 bases into the intron before coding-DNA position 188, T replaced by C.
Molecular consequence: intron variant.
Genome position (GRCh38, 1-based): chr6:75,828,537, T>C. VCF-style: chr6-75828537-T-C. GRCh37 (hg19) VCF-style: chr6-76538254-T-C.
Other names: c.188-3T>C (NM_001368865.1, NM_001368866.1, NM_001368137.1 and 5 more transcripts).
Identifiers: ClinVar variation 227673 (VCV000227673.21), dbSNP rs373199401, ClinGen allele CA3896761.

ClinVar aggregate classification (germline): Conflicting classifications of pathogenicity. Review status: criteria provided, conflicting classifications (1 of 4 stars). 8 submissions from 7 submitters: Uncertain significance (4); Likely benign (3). 1 of the submissions does not count toward it. Last evaluated 2025-09-02.

Conditions:
MYO6-related disorder. Also called: MYO6-related disorders; MYO6-related condition.
Autosomal dominant nonsyndromic hearing loss 22. Also called: Autosomal dominant nonsyndromic deafness 22; DFNA 22. Identifiers: Orphanet 228012, MedGen C2931767, MONDO:0011660, OMIM 606346.
Autosomal recessive nonsyndromic hearing loss 37. Identifiers: Orphanet 90636, MedGen C1843028, MONDO:0011912, OMIM 607821.

Allele frequency attached by ClinVar (database versions not stated): TOPMed 0.00016; gnomAD 0.00017; ExAC 0.00012; gnomAD exomes 0.00012; ESP Exome Variant Server 0.00015.

Submissions (8):

Labcorp Genetics (formerly Invitae), Labcorp
Classification: Uncertain significance. Last evaluated: 2025-09-02. Review status: criteria provided, single submitter. Criteria: Invitae Variant Classification Sherloc (09022015). Collection method: clinical testing. Allele origin: germline.
Comment: This sequence change falls in intron 3 of the MYO6 gene. It does not directly change the encoded amino acid sequence of the MYO6 protein. It affects a nucleotide within the consensus splice site. This variant is present in population databases (rs373199401, gnomAD 0.03%). This variant has not been reported in the literature in individuals affected with MYO6-related conditions. ClinVar contains an entry for this variant (Variation ID: 227673). Variants that disrupt the consensus splice site are a relatively common cause of aberrant splicing (PMID: 17576681, 9536098). Algorithms developed to predict the effect of sequence changes on RNA splicing suggest that this variant is not likely to affect RNA splicing. In summary, the available evidence is currently insufficient to determine the role of this variant in disease. Therefore, it has been classified as a Variant of Uncertain Significance.

Blueprint Genetics
Classification: Likely benign. Last evaluated: 2024-08-23. Review status: criteria provided, single submitter. Criteria: ACMG Guidelines, 2015. Collection method: clinical testing. Allele origin: germline.

AiLife Diagnostics
Classification: Uncertain significance. Last evaluated: 2021-07-23. Review status: criteria provided, single submitter. Criteria: ACMG Guidelines, 2015. Collection method: clinical testing. Allele origin: germline. Affected: yes. Observed: 1 variant allele.

GeneDx
Classification: Likely benign. Last evaluated: 2020-12-21. Review status: criteria provided, single submitter. Criteria: GeneDx Variant Classification Process June 2021. Collection method: clinical testing. Allele origin: germline. Affected: yes.

Illumina Laboratory Services, Illumina
Classification: Uncertain significance for Autosomal recessive nonsyndromic hearing loss 37. Last evaluated: 2018-01-12. Review status: criteria provided, single submitter. Criteria: ICSL Variant Classification Criteria 13 December 2019. Collection method: clinical testing. Allele origin: germline.

Illumina Laboratory Services, Illumina
Classification: Uncertain significance for Autosomal dominant nonsyndromic hearing loss 22. Last evaluated: 2018-01-12. Review status: criteria provided, single submitter. Criteria: ICSL Variant Classification Criteria 13 December 2019. Collection method: clinical testing. Allele origin: germline.

Laboratory for Molecular Medicine, Mass General Brigham Personalized Medicine
Classification: Likely benign. Last evaluated: 2015-02-06. Review status: criteria provided, single submitter. Criteria: LMM Criteria. Collection method: clinical testing. Allele origin: germline. Observed: 1 variant allele.
Comment: c.188-3T>C in intron 3 of MYO6: This variant is not expected to have clinical si gnificance because it does not cause the splice site sequence to diverge from co nsensus. It has been identified in 15/67345 European chromosomes by the Exome Ag gregation Consortium (ExAC; dbSNP rs373199401).

PreventionGenetics, part of Exact Sciences
Classification: Likely benign for MYO6-related condition. Last evaluated: 2019-06-06. Review status: no assertion criteria provided. Collection method: clinical testing. Allele origin: germline. Not counted in ClinVar's aggregate classification.
Comment: This variant is classified as likely benign based on ACMG/AMP sequence variant interpretation guidelines (Richards et al. 2015 PMID: 25741868, with internal and published modifications).

Literature cited by the submitters: PubMed 17576681 (cited by Labcorp Genetics (formerly Invitae), Labcorp); PubMed 9536098 (cited by Labcorp Genetics (formerly Invitae), Labcorp).